The following is an entry in ClinVar:

NM_004260.4(RECQL4):c.1567A>G (p.Ser523Gly)

Gene: RECQL4 (RecQ like helicase 4; minus strand). Cytogenetic location: 8q24.3.
Variant type: single nucleotide variant.
Coding change: c.1567A>G on transcript NM_004260.4 (MANE Select); coding-DNA position 1567, A replaced by G.
Protein change: p.Ser523Gly; replaces serine 523 with glycine.
Molecular consequence: missense variant. On other transcripts: non-coding transcript variant (3).
Genome position (GRCh38, 1-based): chr8:144,514,989, T>C on the plus strand (A>G on the coding strand, the complement: RECQL4 is on the minus strand). VCF-style: chr8-144514989-T-C. GRCh37 (hg19) VCF-style: chr8-145740373-T-C.
Other names: c.496A>G, p.Ser166Gly (NM_001413021.1, NM_001413022.1, NM_001413023.1 and 7 more transcripts); c.1438A>G, p.Ser480Gly (NM_001413025.1); c.430A>G, p.Ser144Gly (NM_001413027.1, NM_001413030.1, NM_001413031.1 and 2 more transcripts); c.1216A>G, p.Ser406Gly (NM_001413029.1); c.1471A>G, p.Ser491Gly (NM_001413017.1, NM_001413020.1); c.1567A>G, p.Ser523Gly (NM_001413018.1, NM_001413019.1, NM_001413033.1 and 1 more transcripts); c.1537A>G, p.Ser513Gly (NM_001413039.1); c.466A>G, p.Ser156Gly (NM_001413042.1); and 1 more; short protein forms S166G, S406G, S523G, S144G, S156G, S34G, S480G, S491G.
Identifiers: ClinVar variation 4152371 (VCV004152371.1).

ClinVar aggregate classification (germline): Uncertain significance (1 of 4 stars; one submission).

Conditions:
Inborn genetic diseases. Identifiers: MedGen C0950123, MeSH D030342.

Submission:

Ambry Genetics
Classification: Uncertain significance for Inborn genetic diseases. Last evaluated: 2025-07-05. Review status: criteria provided, single submitter. Criteria: Ambry Variant Classification Scheme 2023. Collection method: clinical testing. Allele origin: germline.
Comment: The p.S523G variant (also known as c.1567A>G), located in coding exon 9 of the RECQL4 gene, results from an A to G substitution at nucleotide position 1567. The serine at codon 523 is replaced by glycine, an amino acid with similar properties. This amino acid position is conserved. In addition, the in silico prediction for this alteration is inconclusive. Based on the available evidence, the clinical significance of this variant remains unclear.